The following is an entry in ClinVar:

NM_000334.4(SCN4A):c.3925G>C (p.Asp1309His)

Genes: SCN4A (sodium voltage-gated channel alpha subunit 4; minus strand), GH-LCR (growth hormone locus control region; plus strand). Cytogenetic location: 17q23.3.
Variant type: single nucleotide variant.
Coding change: c.3925G>C on transcript NM_000334.4 (MANE Select); coding-DNA position 3925, G replaced by C.
Protein change: p.Asp1309His; replaces aspartic acid 1309 with histidine.
Molecular consequence: missense variant.
Genome position (GRCh38, 1-based): chr17:63,943,838, C>G on the plus strand (G>C on the coding strand, the complement: SCN4A is on the minus strand). VCF-style: chr17-63943838-C-G. GRCh37 (hg19) VCF-style: chr17-62021198-C-G.
Other names: short protein forms D1309H.
Identifiers: ClinVar variation 2006318 (VCV002006318.4), dbSNP rs2509287989, ClinGen allele CA400617155.

ClinVar aggregate classification (germline): Uncertain significance (1 of 4 stars; one submission).

Conditions:
Hyperkalemic periodic paralysis. Also called: Familial hyperkalemic periodic paralysis; Gamstorp disease. Identifiers: Orphanet 682, MedGen C0238357, MONDO:0008224, OMIM 170500, HP:0007215.

Submission:

Labcorp Genetics (formerly Invitae), Labcorp
Classification: Uncertain significance for Hyperkalemic periodic paralysis. Last evaluated: 2022-08-12. Review status: criteria provided, single submitter. Criteria: Invitae Variant Classification Sherloc (09022015). Collection method: clinical testing. Allele origin: germline.
Comment: In summary, the available evidence is currently insufficient to determine the role of this variant in disease. Therefore, it has been classified as a Variant of Uncertain Significance. Algorithms developed to predict the effect of missense changes on protein structure and function are either unavailable or do not agree on the potential impact of this missense change (SIFT: "Deleterious"; PolyPhen-2: "Possibly Damaging"; Align-GVGD: "Class C0"). This variant has not been reported in the literature in individuals affected with SCN4A-related conditions. This variant is not present in population databases (gnomAD no frequency). This sequence change replaces aspartic acid, which is acidic and polar, with histidine, which is basic and polar, at codon 1309 of the SCN4A protein (p.Asp1309His).